The following is an entry in ClinVar:

ClinVar aggregate classification (germline): Uncertain significance. Review status: criteria provided, multiple submitters, no conflicts (2 of 4 stars). 2 submissions from 2 submitters: Uncertain significance (2). Last evaluated 2025-08-26.

Conditions:
Inborn genetic diseases. Identifiers: MedGen C0950123, MeSH D030342.
3-hydroxyisobutyryl-CoA hydrolase deficiency. Also called: METHACRYLIC ACID TOXICITY; METHACRYLIC ACIDURIA; VALINE METABOLIC DEFECT; Reduced circulating 3-hydroxyisobutyryl-CoA hydrolase activity; Deficiency of 3-hydroxyisobutyryl CoA hydrolase; HIBCH DEFICIENCY. Identifiers: Orphanet 88639, MedGen C0342738, MONDO:0009603, OMIM 250620, HP:6000215.

Allele frequency attached by ClinVar (database versions not stated): TOPMed 0.00001; gnomAD exomes 0.00002.
gnomAD v4.1: 25 of 1,614,014 alleles (0.0015%); highest among the groups gnomAD compares: Non-Finnish European, 0.002%; no homozygotes.

Submissions (2):

Ambry Genetics
Classification: Uncertain significance for Inborn genetic diseases. Last evaluated: 2025-08-26. Review status: criteria provided, single submitter. Criteria: Ambry Variant Classification Scheme 2023. Collection method: clinical testing. Allele origin: germline.

Labcorp Genetics (formerly Invitae), Labcorp
Classification: Uncertain significance for 3-hydroxyisobutyryl-CoA hydrolase deficiency. Last evaluated: 2023-10-13. Review status: criteria provided, single submitter. Criteria: Invitae Variant Classification Sherloc (09022015). Collection method: clinical testing. Allele origin: germline.
Comment: This sequence change replaces alanine, which is neutral and non-polar, with serine, which is neutral and polar, at codon 59 of the HIBCH protein (p.Ala59Ser). This variant is present in population databases (no rsID available, gnomAD 0.0009%). This variant has not been reported in the literature in individuals affected with HIBCH-related conditions. ClinVar contains an entry for this variant (Variation ID: 2198114). Advanced modeling of protein sequence and biophysical properties (such as structural, functional, and spatial information, amino acid conservation, physicochemical variation, residue mobility, and thermodynamic stability) performed at Invitae indicates that this missense variant is not expected to disrupt HIBCH protein function. In summary, the available evidence is currently insufficient to determine the role of this variant in disease. Therefore, it has been classified as a Variant of Uncertain Significance.

NM_014362.4(HIBCH):c.175G>T (p.Ala59Ser)

Gene: HIBCH (3-hydroxyisobutyryl-CoA hydrolase; minus strand). Cytogenetic location: 2q32.2.
Variant type: single nucleotide variant.
Coding change: c.175G>T on transcript NM_014362.4 (MANE Select); coding-DNA position 175, G replaced by T.
Protein change: p.Ala59Ser; replaces alanine 59 with serine.
Molecular consequence: missense variant.
Genome position (GRCh38, 1-based): chr2:190,296,857, C>A on the plus strand (G>T on the coding strand, the complement: HIBCH is on the minus strand). VCF-style: chr2-190296857-C-A. GRCh37 (hg19) VCF-style: chr2-191161583-C-A.
Other names: c.175G>T, p.Ala59Ser (NM_198047.3); c.175G>T (NM_014362.3); short protein forms A59S.
Identifiers: ClinVar variation 2198114 (VCV002198114.5), dbSNP rs908860093, ClinGen allele CA62660251.